The following is an entry in ClinVar:

ClinVar aggregate classification (germline): Benign. Review status: reviewed by expert panel (3 of 4 stars). 10 submissions from 9 submitters: Benign (1). 9 of the submissions do not count toward it. Last evaluated 2015-01-12.
ClinVar aggregate classification (somatic clinical impact): Tier IV - Benign/Likely benign (0 of 4 stars; one submission).

Conditions:
Hereditary cancer-predisposing syndrome. Also called: Neoplastic Syndromes, Hereditary; Hereditary Cancer Syndrome; Tumor predisposition; Hereditary neoplastic syndrome. Identifiers: Orphanet 140162, MedGen C0027672, MeSH D009386, MONDO:0015356.
Breast-ovarian cancer, familial, susceptibility to, 2 (BROVCA2). Also called: BRCA2 Hereditary Breast and Ovarian Cancer. Identifiers: Orphanet 145, MedGen C2675520, MONDO:0012933, OMIM 612555. Disease mechanism: loss of function.
Familial cancer of breast. Also called: BREAST CANCER, FAMILIAL; hereditary breast carcinoma; Hereditary breast cancer. Identifiers: Orphanet 227535, MedGen C0346153, MONDO:0016419, OMIM 114480. Disease mechanism: loss of function.

Submissions (11):

Evidence-based Network for the Interpretation of Germline Mutant Alleles (ENIGMA)
Classification: Benign for Breast-ovarian cancer, familial 2. Last evaluated: 2015-01-12. Review status: reviewed by expert panel. Criteria: ENIGMA BRCA1/2 Classification Criteria (2015). Collection method: curation. Allele origin: germline.
Comment: Class 1 not pathogenic based on frequency >1% in an outbred sampleset. Frequency 0.38 (Asian), 0.18 (African), 0.29 (European), derived from 1000 genomes (2012-04-30).

Genomic Research Center, Shahid Beheshti University of Medical Sciences
Classification: Benign for Breast-ovarian cancer, familial, susceptibility to, 2. Last evaluated: 2017-12-03. Review status: criteria provided, single submitter. Criteria: ACMG Guidelines, 2015. Collection method: clinical testing. Allele origin: inherited. Affected: yes. Not counted in ClinVar's aggregate classification.

Department of Pathology and Molecular Medicine, Queen's University
Classification: Uncertain significance. Last evaluated: 2017-04-20. Review status: criteria provided, single submitter. Criteria: ACMG Guidelines, 2015. Collection method: clinical testing. Allele origin: germline. Study: The Canadian Open Genetics Repository (COGR). Not counted in ClinVar's aggregate classification.

Color Diagnostics, LLC DBA Color Health
Classification: Benign for Hereditary cancer-predisposing syndrome. Last evaluated: 2015-03-10. Review status: criteria provided, single submitter. Criteria: ACMG Guidelines, 2015. Collection method: clinical testing. Allele origin: germline. Not counted in ClinVar's aggregate classification.

GeneDx
Classification: Benign. Last evaluated: 2015-03-03. Review status: criteria provided, single submitter. Criteria: GeneDx Variant Classification Process June 2021. Collection method: clinical testing. Allele origin: germline. Affected: yes. Not counted in ClinVar's aggregate classification.

Genome Diagnostics Laboratory, University Medical Center Utrecht
Classification: Benign for Breast-ovarian cancer, familial, susceptibility to, 2. Last evaluated: 2014-10-09. Review status: criteria provided, single submitter. Criteria: ACGS Guidelines, 2013. Collection method: clinical testing. Allele origin: germline. Affected: yes. Study: VKGL Data-share Consensus. Not counted in ClinVar's aggregate classification.

Breast Cancer Information Core (BIC) (BRCA2)
Classification: Uncertain significance for Breast-ovarian cancer, familial 2. Last evaluated: 2010-12-17. Review status: no assertion criteria provided. Collection method: clinical testing. Allele origin: germline. Affected: yes. Observed: 225 variant alleles. Not counted in ClinVar's aggregate classification.

Clinical Genetics DNA and cytogenetics Diagnostics Lab, Erasmus MC, Erasmus Medical Center
Classification: Benign. Review status: no assertion criteria provided. Collection method: clinical testing. Allele origin: germline. Affected: yes. Study: VKGL Data-share Consensus. Not counted in ClinVar's aggregate classification.

Clinical Genetics Laboratory, Department of Pathology, Netherlands Cancer Institute
Classification: Benign. Review status: no assertion criteria provided. Collection method: clinical testing. Allele origin: germline. Affected: yes. Study: VKGL Data-share Consensus. Not counted in ClinVar's aggregate classification.

Faculté Pluridciplinaire Nador, Université Mohamed Premier
Classification: Tier IV - Benign/Likely benign for Familial cancer of breast. Review status: no assertion criteria provided. Collection method: research. Allele origin: somatic. Affected: yes.
Comment: The following databases and algorithms are used to annotate and evaluate the impact of the variant in the context of human disease: 1000 genomes, gnomAD, ClinVar, OMIM, dbSNP, NCIB RefSeq Genes, ExAC Gene Constraints, VS-SIFT, VS-PolyPhen2, PhyloP, GERP++, GeneSplicer, MaxEntScan, NNSplice, PWM Splice Predictor.

Genomic Research Center, Shahid Beheshti University of Medical Sciences
No classification provided. Condition: Familial cancer of breast. Review status: no classification provided. Collection method: not provided. Allele origin: somatic. Not counted in ClinVar's aggregate classification.
ClinVar note: Converted during submission from untested to not provided.

NM_000059.4(BRCA2):c.6841+80_6841+83del

Gene: BRCA2 (BRCA2 DNA repair associated; plus strand). Cytogenetic location: 13q13.1.
Variant type: Deletion.
Coding change: c.6841+80_6841+83del on transcript NM_000059.4 (MANE Select); bases 80 to 83 of the intron after coding-DNA position 6841, 4 bases deleted (TTAA; older notation c.6841+80_6841+83delTTAA).
Molecular consequence: intron variant.
Genome position (GRCh38, 1-based): chr13:32,341,276-32,341,279, TTAA deleted; deleting any 4 consecutive bases within chr13:32,341,274-32,341,279 gives the same sequence; the c. name uses the placement nearest the transcript's 3' end. VCF-style (leftmost placement, unchanged base first): chr13-32341273-CAATT-C. GRCh37 (hg19) VCF-style: chr13-32915410-CAATT-C.
Other names: IVS11+80del4; IVS11+80delTTAA; IVS11+79del4; IVS 11+78del4; c.6841+78_6841+81delAATT (NM_000059.3); c.6841+80_6841+83delTTAA (NM_000059.4, NM_000059.3).
Identifiers: ClinVar variation 126122 (VCV000126122.10), dbSNP rs11571661, ClinGen allele CA024495.